The following is an entry in ClinVar:

NM_000059.4(BRCA2):c.3372G>A (p.Gln1124=)

Gene: BRCA2 (BRCA2 DNA repair associated; plus strand). Cytogenetic location: 13q13.1.
Variant type: single nucleotide variant.
Coding change: c.3372G>A on transcript NM_000059.4 (MANE Select); coding-DNA position 3372, G replaced by A.
Protein change: p.Gln1124=; no amino-acid change (glutamine 1124 retained).
Molecular consequence: synonymous variant.
Genome position (GRCh38, 1-based): chr13:32,337,727, G>A. VCF-style: chr13-32337727-G-A. GRCh37 (hg19) VCF-style: chr13-32911864-G-A.
Identifiers: ClinVar variation 377580 (VCV000377580.19), dbSNP rs779418629, ClinGen allele CA6940693.

ClinVar aggregate classification (germline): Likely benign. Review status: criteria provided, multiple submitters, no conflicts (2 of 4 stars). 5 submissions from 5 submitters: Likely benign (4). 1 of the submissions does not count toward it. Last evaluated 2024-08-13.

Conditions:
BRCA2-related disorder. Also called: BRCA2-related condition; BRCA2-related disorders. Identifiers: MedGen CN239275.
Hereditary cancer-predisposing syndrome. Also called: Hereditary neoplastic syndrome; Hereditary Cancer Syndrome; Neoplastic Syndromes, Hereditary; Tumor predisposition. Identifiers: Orphanet 140162, MedGen C0027672, MeSH D009386, MONDO:0015356.
Hereditary breast ovarian cancer syndrome. Also called: Hereditary breast and ovarian cancer syndrome (HBOC); Hereditary breast and ovarian cancer syndrome; Hereditary breast and ovarian cancer; BRCA1- and BRCA2-Associated Hereditary Breast and Ovarian Cancer; Breast and ovarian cancer; Hereditary breast and/or ovarian cancer syndrome. Identifiers: Orphanet 145, MedGen C0677776, MeSH D061325, MONDO:0003582. Disease mechanism: loss of function.

Allele frequency attached by ClinVar (database versions not stated): gnomAD exomes below 0.00001; ExAC 0.00001.

Submissions (5):

Labcorp Genetics (formerly Invitae), Labcorp
Classification: Likely benign for Hereditary breast ovarian cancer syndrome. Last evaluated: 2024-08-13. Review status: criteria provided, single submitter. Criteria: Invitae Variant Classification Sherloc (09022015). Collection method: clinical testing. Allele origin: germline.

Ambry Genetics
Classification: Likely benign for Hereditary cancer-predisposing syndrome. Last evaluated: 2022-01-15. Review status: criteria provided, single submitter. Criteria: Ambry Variant Classification Scheme 2023. Collection method: clinical testing. Allele origin: germline.

GeneDx
Classification: Likely benign. Last evaluated: 2019-04-18. Review status: criteria provided, single submitter. Criteria: GeneDx Variant Classification Process June 2021. Collection method: clinical testing. Allele origin: germline. Affected: yes.

Color Diagnostics, LLC DBA Color Health
Classification: Likely benign for Hereditary cancer-predisposing syndrome. Last evaluated: 2017-11-14. Review status: criteria provided, single submitter. Criteria: ACMG Guidelines, 2015. Collection method: clinical testing. Allele origin: germline.

PreventionGenetics, part of Exact Sciences
Classification: Likely benign for BRCA2-related condition. Last evaluated: 2019-04-30. Review status: no assertion criteria provided. Collection method: clinical testing. Allele origin: germline. Not counted in ClinVar's aggregate classification.
Comment: This variant is classified as likely benign based on ACMG/AMP sequence variant interpretation guidelines (Richards et al. 2015 PMID: 25741868, with internal and published modifications).